The following is an entry in ClinVar:

ClinVar aggregate classification (germline): Pathogenic (1 of 4 stars; one submission).

Conditions:
Hereditary cancer-predisposing syndrome. Also called: Tumor predisposition; Neoplastic Syndromes, Hereditary; Hereditary Cancer Syndrome; Hereditary neoplastic syndrome. Identifiers: Orphanet 140162, MedGen C0027672, MeSH D009386, MONDO:0015356.

Submission:

Ambry Genetics
Classification: Pathogenic for Hereditary cancer-predisposing syndrome. Last evaluated: 2024-09-25. Review status: criteria provided, single submitter. Criteria: Ambry Variant Classification Scheme 2023. Collection method: clinical testing. Allele origin: germline.
Comment: The c.259delG pathogenic mutation, located in coding exon 1 of the CHEK2 gene, results from a deletion of one nucleotide at nucleotide position 259, causing a translational frameshift with a predicted alternate stop codon (p.E87Sfs*23). This variant is considered to be rare based on population cohorts in the Genome Aggregation Database (gnomAD). This alteration is expected to result in loss of function by premature protein truncation or nonsense-mediated mRNA decay. As such, this alteration is interpreted as a disease-causing mutation.

NM_007194.4(CHEK2):c.259del (p.Glu87fs)

Gene: CHEK2 (checkpoint kinase 2; minus strand). Cytogenetic location: 22q12.1.
Variant type: Deletion.
Coding change: c.259del on transcript NM_007194.4 (MANE Select); coding-DNA position 259, one base deleted (G; older notation c.259delG).
Protein change: p.Glu87fs; shifts the reading frame from glutamic acid 87.
Molecular consequence: frameshift variant.
Genome position (GRCh38, 1-based): chr22:28,734,463, C deleted on the plus strand (G on the coding strand, the reverse complement: CHEK2 is on the minus strand); the first of 2 consecutive C bases (chr22:28,734,463-28,734,464); deleting either gives the same sequence. VCF-style (leftmost placement, unchanged base first): chr22-28734462-TC-T. GRCh37 (hg19) VCF-style: chr22-29130450-TC-T.
Other names: c.258delG, p.Glu87Serfs (NM_001005735.3, NM_001349956.3, NM_145862.3); c.-520delG (NM_001257387.3); short protein forms E87fs.
Identifiers: ClinVar variation 3492187 (VCV003492187.1).